The following is an entry in ClinVar:

NM_000388.4(CASR):c.1016C>T (p.Pro339Leu)

Gene: CASR (calcium sensing receptor; plus strand). Cytogenetic location: 3q21.1.
Variant type: single nucleotide variant.
Coding change: c.1016C>T on transcript NM_000388.4 (MANE Select); coding-DNA position 1016, C replaced by T.
Protein change: p.Pro339Leu; replaces proline 339 with leucine.
Molecular consequence: missense variant.
Genome position (GRCh38, 1-based): chr3:122,262,051, C>T. VCF-style: chr3-122262051-C-T. GRCh37 (hg19) VCF-style: chr3-121980898-C-T.
Other names: c.1016C>T, p.Pro339Leu (NM_001178065.2); short protein forms P339L.
Identifiers: ClinVar variation 1044893 (VCV001044893.9), dbSNP rs2074632633, ClinGen allele CA354152138.

ClinVar aggregate classification (germline): Uncertain significance (1 of 4 stars; one submission).

Conditions:
Familial hypocalciuric hypercalcemia (FHH). Also called: Familial benign hypercalcemia. Identifiers: Orphanet 405, MedGen C1809471, MONDO:0018458.
Autosomal dominant hypocalcemia 1 (HYPOC1). Also called: HYPOCALCEMIA, FAMILIAL. Identifiers: MedGen C3715128, MONDO:0011013, OMIM 601198.

Submission:

Labcorp Genetics (formerly Invitae), Labcorp
Classification: Uncertain significance for Familial hypocalciuric hypercalcemia; Autosomal dominant hypocalcemia 1. Last evaluated: 2020-07-30. Review status: criteria provided, single submitter. Criteria: Invitae Variant Classification Sherloc (09022015). Collection method: clinical testing. Allele origin: germline.
Comment: In summary, the available evidence is currently insufficient to determine the role of this variant in disease. Therefore, it has been classified as a Variant of Uncertain Significance. Algorithms developed to predict the effect of missense changes on protein structure and function are either unavailable or do not agree on the potential impact of this missense change (SIFT: "Tolerated"; PolyPhen-2: "Possibly Damaging"; Align-GVGD: "Class C0"). This variant has not been reported in the literature in individuals with CASR-related conditions. This variant is not present in population databases (ExAC no frequency). This sequence change replaces proline with leucine at codon 339 of the CASR protein (p.Pro339Leu). The proline residue is highly conserved and there is a moderate physicochemical difference between proline and leucine.